The following is an entry in ClinVar:

ClinVar aggregate classification (germline): Likely benign (1 of 4 stars; one submission).

Conditions:
SEMA3C-related disorder. Also called: SEMA3C-related condition.

gnomAD v4.1: 2 of 1,340,976 alleles (0.00015%); highest among the groups gnomAD compares: Admixed American, 0.0022%; no homozygotes.

Submission:

PreventionGenetics, part of Exact Sciences
Classification: Likely benign for SEMA3C-related condition. Last evaluated: 2026-04-07. Review status: criteria provided, single submitter. Criteria: ACMG Guidelines, 2015. Collection method: clinical testing. Allele origin: germline.
Comment: This variant is classified as likely benign based on ACMG/AMP sequence variant interpretation guidelines (Richards et al. 2015 PMID: 25741868, with internal and published modifications).

NM_006379.5(SEMA3C):c.1473T>C (p.Ile491=)

Gene: SEMA3C (semaphorin 3C; minus strand). Cytogenetic location: 7q21.11.
Variant type: single nucleotide variant.
Coding change: c.1473T>C on transcript NM_006379.5 (MANE Select); coding-DNA position 1473, T replaced by C.
Protein change: p.Ile491=; no amino-acid change (isoleucine 491 retained).
Molecular consequence: synonymous variant.
Genome position (GRCh38, 1-based): chr7:80,761,628, A>G on the plus strand (T>C on the coding strand, the complement: SEMA3C is on the minus strand). VCF-style: chr7-80761628-A-G. GRCh37 (hg19) VCF-style: chr7-80390944-A-G.
Other names: c.1527T>C, p.Ile509= (NM_001350120.2); c.1299T>C, p.Ile433= (NM_001350121.2).
Identifiers: ClinVar variation 4992355 (VCV004992355.1).
Genomic context (GRCh38, chr7:80,761,628, plus strand): 5'-AACAAAACATTTCAATAAGCAAAGAACATAAAATAGCTTAGTTTTTACCTTTTTAGATGA[A>G]ATTTTCATTGTTGTTATAGGAGCATGATTCTAAAATATTAGAAAACAACATGTTAGTTGC-3'
Protein context (NP_006370.1, residues 481-501): KNHAPITTMK[Ile491=]SSKKQQLYVS